The following is an entry in ClinVar:

ClinVar aggregate classification (germline): Uncertain significance (1 of 4 stars; one submission).

Conditions:
GNAS-related disorder. Identifiers: MedGen CN380105.

gnomAD v4.1: 8 of 1,611,864 alleles (0.0005%); highest among the groups gnomAD compares: South Asian, 0.0022%; no homozygotes.

Submission:

PreventionGenetics, part of Exact Sciences
Classification: Uncertain significance for GNAS-related condition. Last evaluated: 2026-09-15. Review status: criteria provided, single submitter. Criteria: ACMG Guidelines, 2015. Collection method: clinical testing. Allele origin: germline.
Comment: The GNAS c.808G>A variant is predicted to result in the amino acid substitution p.Ala270Thr. To our knowledge, this variant has not been reported in the literature. This variant is reported in 0.0017% of alleles in individuals of European (Non-Finnish) descent in gnomAD. At this time, the clinical significance of this variant is uncertain due to the absence of conclusive functional and genetic evidence.

NM_080425.4(GNAS):c.808G>A (p.Ala270Thr)

Gene: GNAS (GNAS complex locus; plus strand). Cytogenetic location: 20q13.32.
Variant type: single nucleotide variant.
Coding change: c.808G>A on transcript NM_080425.4 (MANE Plus Clinical); coding-DNA position 808, G replaced by A.
Protein change: p.Ala270Thr; replaces alanine 270 with threonine.
Molecular consequence: missense variant. On other transcripts: synonymous variant (2), intron variant (3).
Genome position (GRCh38, 1-based): chr20:58,854,073, G>A. VCF-style: chr20-58854073-G-A. GRCh37 (hg19) VCF-style: chr20-57429128-G-A.
Other names: c.621G>A, p.Pro207= (NM_001077490.3, NM_001309883.1); c.808G>A, p.Ala270Thr (NM_001410913.1); c.*42+13187G>A (NM_016592.5); c.43+13187G>A (NM_001410912.1); c.-39+12198G>A (NM_001309861.2); short protein forms A270T.
Identifiers: ClinVar variation 4992218 (VCV004992218.1).